The following is an entry in ClinVar:

ClinVar aggregate classification (germline): Conflicting classifications of pathogenicity. Review status: criteria provided, conflicting classifications (1 of 4 stars). 12 submissions from 10 submitters: Uncertain significance (2); Benign (2); Likely benign (5). 3 of the submissions do not count toward it. Last evaluated 2026-01-27.

Conditions:
Meckel-Gruber syndrome. Also called: DYSENCEPHALIA SPLANCHNOCYSTICA; Dysencephalia splachnocystica; GRUBER SYNDROME. Identifiers: Orphanet 564, MedGen C0265215, MONDO:0018921.
Joubert syndrome. Also called: Familial aplasia of the vermis; JOUBERT-BOLTSHAUSER SYNDROME. Identifiers: Orphanet 475, MedGen C5979921, MONDO:0018772.
Inborn genetic diseases. Identifiers: MedGen C0950123, MeSH D030342.
Nephronophthisis 8. Identifiers: MedGen CN119610.
Meckel syndrome, type 5 (MKS5). Identifiers: Orphanet 564, MedGen C1969052, MONDO:0012695, OMIM 611561.
Joubert syndrome 7 (JBTS7). Identifiers: Orphanet 220497, MedGen C1969053, MONDO:0012694, OMIM 611560.

Allele frequency attached by ClinVar (database versions not stated): gnomAD exomes 0.00017 and 0.00047; ExAC 0.00062; 1000 Genomes Project 30x 0.00109; 1000 Genomes Project 0.00120; ESP Exome Variant Server 0.00193; gnomAD 0.00225 and 0.00245; TOPMed 0.00227.
gnomAD v4.1: 600 of 1,568,252 alleles (0.038%); highest among the groups gnomAD compares: African/African-American, 0.74%; 3 homozygotes.

Submissions (12):

Labcorp Genetics (formerly Invitae), Labcorp
Classification: Benign for Joubert syndrome; Meckel-Gruber syndrome. Last evaluated: 2026-01-27. Review status: criteria provided, single submitter. Criteria: Invitae Variant Classification Sherloc (09022015). Collection method: clinical testing. Allele origin: germline.

Blueprint Genetics
Classification: Likely benign. Last evaluated: 2024-05-14. Review status: criteria provided, single submitter. Criteria: ACMG Guidelines, 2015. Collection method: clinical testing. Allele origin: germline.

Ambry Genetics
Classification: Benign for Inborn genetic diseases. Last evaluated: 2021-11-19. Review status: criteria provided, single submitter. Criteria: Ambry Variant Classification Scheme 2023. Collection method: clinical testing. Allele origin: germline.

GeneDx
Classification: Likely benign. Last evaluated: 2019-10-03. Review status: criteria provided, single submitter. Criteria: GeneDx Variant Classification Process June 2021. Collection method: clinical testing. Allele origin: germline. Affected: yes.

Illumina Laboratory Services, Illumina
Classification: Likely benign for Joubert syndrome 7. Last evaluated: 2018-01-12. Review status: criteria provided, single submitter. Criteria: ICSL Variant Classification Criteria 13 December 2019. Collection method: clinical testing. Allele origin: germline.
Comment: This variant was observed in the ICSL laboratory as part of a predisposition screen in an ostensibly healthy population. It had not been previously curated by ICSL or reported in the Human Gene Mutation Database (HGMD: prior to June 1st, 2018), and was therefore a candidate for classification through an automated scoring system. Utilizing variant allele frequency, disease prevalence and penetrance estimates, and inheritance mode, an automated score was calculated to assess if this variant is too frequent to cause the disease. Based on the score and internal cut-off values, a variant classified as likely benign is not then subjected to further curation. The score for this variant resulted in a classification of likely benign for this disease.

Illumina Laboratory Services, Illumina
Classification: Likely benign for Nephronophthisis 8. Last evaluated: 2018-01-12. Review status: criteria provided, single submitter. Criteria: ICSL Variant Classification Criteria 13 December 2019. Collection method: clinical testing. Allele origin: germline.
Comment: the same text as in the submission from Illumina Laboratory Services, Illumina above.

Illumina Laboratory Services, Illumina
Classification: Uncertain significance for Meckel syndrome, type 5. Last evaluated: 2018-01-12. Review status: criteria provided, single submitter. Criteria: ICSL Variant Classification Criteria 13 December 2019. Collection method: clinical testing. Allele origin: germline.

Eurofins Ntd Llc (ga)
Classification: Likely benign. Last evaluated: 2017-02-07. Review status: criteria provided, single submitter. Criteria: EGL Classification Definitions 2015. Collection method: clinical testing. Allele origin: germline. Observed: 1 variant allele, 1 heterozygote.

Genetic Services Laboratory, University of Chicago
Classification: Uncertain significance. Last evaluated: 2014-05-01. Review status: criteria provided, single submitter. Criteria: ACMG Guidelines, 2007. Collection method: clinical testing. Allele origin: germline.

Natera, Inc.
Classification: Benign for Joubert syndrome. Last evaluated: 2020-04-24. Review status: no assertion criteria provided. Collection method: clinical testing. Allele origin: germline. Not counted in ClinVar's aggregate classification.

Clinical Genetics, Academic Medical Center
Classification: Likely benign. Review status: no assertion criteria provided. Collection method: clinical testing. Allele origin: germline. Affected: yes. Study: VKGL Data-share Consensus. Not counted in ClinVar's aggregate classification.

Genome Diagnostics Laboratory, University Medical Center Utrecht
Classification: Benign. Review status: no assertion criteria provided. Collection method: clinical testing. Allele origin: germline. Affected: yes. Study: VKGL Data-share Consensus. Not counted in ClinVar's aggregate classification.

NM_015272.5(RPGRIP1L):c.532A>G (p.Ile178Val)

Gene: RPGRIP1L (RPGRIP1 like; minus strand). Cytogenetic location: 16q12.2.
Variant type: single nucleotide variant.
Coding change: c.532A>G on transcript NM_015272.5 (MANE Select); coding-DNA position 532, A replaced by G.
Protein change: p.Ile178Val; replaces isoleucine 178 with valine.
Molecular consequence: missense variant.
Genome position (GRCh38, 1-based): chr16:53,687,963, T>C on the plus strand (A>G on the coding strand, the complement: RPGRIP1L is on the minus strand). VCF-style: chr16-53687963-T-C. GRCh37 (hg19) VCF-style: chr16-53721875-T-C.
Other names: c.532A>G, p.Ile178Val (NM_001127897.4, NM_001308334.3, NM_001330538.2); short protein forms I178V.
Identifiers: ClinVar variation 212064 (VCV000212064.31), dbSNP rs140067659, ClinGen allele CA206389.